The following is an entry in ClinVar:

NM_005475.3(SH2B3):c.526C>T (p.Pro176Ser)

Gene: SH2B3 (SH2B adaptor protein 3; plus strand). Cytogenetic location: 12q24.12.
Variant type: single nucleotide variant.
Coding change: c.526C>T on transcript NM_005475.3 (MANE Select); coding-DNA position 526, C replaced by T.
Protein change: p.Pro176Ser; replaces proline 176 with serine.
Molecular consequence: missense variant.
Genome position (GRCh38, 1-based): chr12:111,418,671, C>T. VCF-style: chr12-111418671-C-T. GRCh37 (hg19) VCF-style: chr12-111856475-C-T.
Other names: short protein forms P176S.
Identifiers: ClinVar variation 3795114 (VCV003795114.1).

ClinVar aggregate classification (germline): Uncertain significance (1 of 4 stars; one submission).

Conditions:
Inborn genetic diseases. Identifiers: MedGen C0950123, MeSH D030342.

Submission:

Ambry Genetics
Classification: Uncertain significance for Inborn genetic diseases. Last evaluated: 2025-01-17. Review status: criteria provided, single submitter. Criteria: Ambry Variant Classification Scheme 2023. Collection method: clinical testing. Allele origin: germline.
Comment: The p.P176S variant (also known as c.526C>T), located in coding exon 1 of the SH2B3 gene, results from a C to T substitution at nucleotide position 526. The proline at codon 176 is replaced by serine, an amino acid with similar properties. This amino acid position is conserved. In addition, this alteration is predicted to be tolerated by in silico analysis. Based on the available evidence, the clinical significance of this variant remains unclear.